The following is an entry in ClinVar:

NM_006415.4(SPTLC1):c.261-18A>G

Gene: SPTLC1 (serine palmitoyltransferase long chain base subunit 1; minus strand). Cytogenetic location: 9q22.31.
Variant type: single nucleotide variant.
Coding change: c.261-18A>G on transcript NM_006415.4 (MANE Select); 18 bases into the intron before coding-DNA position 261, A replaced by G.
Molecular consequence: intron variant.
Genome position (GRCh38, 1-based): chr9:92,080,981, T>C on the plus strand (A>G on the coding strand, the complement: SPTLC1 is on the minus strand). VCF-style: chr9-92080981-T-C. GRCh37 (hg19) VCF-style: chr9-94843263-T-C.
Other names: c.261-18A>G (LRG_272t1, NM_001281303.2, NM_178324.3); c.-239-18A>G (NM_001368272.1); c.-205-18A>G (NM_001368273.1).
Identifiers: ClinVar variation 390555 (VCV000390555.8), dbSNP rs755503027, ClinGen allele CA5121624.
Genomic context (GRCh38, chr9:92,080,981, plus strand): 5'-TATACATTCTTTTCCATTCACCACAGTTTTGTGGCTTGGAGGGCTAGGGAAGAGATAGAG[T>C]GGTACATGTCAATTACACATTCATGTTACATGCTATCATATTACCTTGGTGGTAGGCACA-3'

ClinVar aggregate classification (germline): Likely benign. Review status: criteria provided, multiple submitters, no conflicts (2 of 4 stars). 2 submissions from 2 submitters: Likely benign (2). Last evaluated 2025-07-27.

Conditions:
Hereditary sensory and autonomic neuropathy type 1 (HSAN1). Also called: HSAN 1; Hereditary Sensory Neuropathy Type I; HSN Type I. Identifiers: Orphanet 36386, MedGen C0020071, MONDO:0018213.

Allele frequency attached by ClinVar (database versions not stated): gnomAD exomes 0.00001 and 0.00002; gnomAD 0.00006 and 0.00007; ExAC 0.00001; TOPMed 0.00005.
gnomAD v4.1: 31 of 1,577,840 alleles (0.002%); highest among the groups gnomAD compares: African/African-American, 0.0027%; no homozygotes.

Submissions (2):

Labcorp Genetics (formerly Invitae), Labcorp
Classification: Likely benign for Hereditary sensory and autonomic neuropathy type 1. Last evaluated: 2025-07-27. Review status: criteria provided, single submitter. Criteria: Invitae Variant Classification Sherloc (09022015). Collection method: clinical testing. Allele origin: germline.

GeneDx
Classification: Likely benign. Last evaluated: 2016-11-16. Review status: criteria provided, single submitter. Criteria: GeneDx Variant Classification (06012015). Collection method: clinical testing. Allele origin: germline. Affected: yes.
Comment: This variant is considered likely benign or benign based on one or more of the following criteria: it is a conservative change, it occurs at a poorly conserved position in the protein, it is predicted to be benign by multiple in silico algorithms, and/or has population frequency not consistent with disease.